The following is an entry in ClinVar:

ClinVar aggregate classification (germline): Likely pathogenic (1 of 4 stars; one submission).

Conditions:
Pseudohypoaldosteronism, type IB1, autosomal recessive. Also called: PHA I, AUTOSOMAL RECESSIVE; Pseudohypoaldosteronism, Type I, Recessive; Autosomal recessive pseudohypoaldosteronism type 1; Pseudohypoaldosteronism, Type I, Autosomal Recessive. Identifiers: Orphanet 171876, Orphanet 756, MedGen C5774176, MONDO:0009917, OMIM 264350.

Submission:

Juno Genomics, Hangzhou Juno Genomics, Inc
Classification: Likely pathogenic for Pseudohypoaldosteronism, type IB1, autosomal recessive. Review status: criteria provided, single submitter. Criteria: ACMG Guidelines, 2015. Collection method: clinical testing. Allele origin: germline. Affected: yes.
Comment: Absent from controls (or at extremely low frequency if recessive) in Genome Aggregation Database, Exome Sequencing Project, 1000 Genomes Project, or Exome Aggregation Consortium.;Null variant in a gene where loss of function (LOF) is a known mechanism of disease.

NM_001038.6(SCNN1A):c.799_800del (p.Leu267fs)

Gene: SCNN1A (sodium channel epithelial 1 subunit alpha; minus strand). Cytogenetic location: 12p13.31.
Variant type: Microsatellite.
Coding change: c.799_800del on transcript NM_001038.6 (MANE Select); coding-DNA positions 799 to 800, 2 bases deleted (CT; older notation c.799_800delCT).
Protein change: p.Leu267fs; shifts the reading frame from leucine 267.
Molecular consequence: frameshift variant.
Genome position (GRCh38, 1-based): chr12:6,362,126-6,362,127, AG deleted on the plus strand (CT on the coding strand, the reverse complement: SCNN1A is on the minus strand); deleting any 2 consecutive bases within chr12:6,362,126-6,362,129 gives the same sequence; the c. name uses the placement nearest the transcript's 3' end. VCF-style (leftmost placement, unchanged base first): chr12-6362125-CAG-C. GRCh37 (hg19) VCF-style: chr12-6471291-CAG-C.
Other names: c.868_869del, p.Leu290fs (NM_001159575.2); c.976_977del, p.Leu326fs (NM_001159576.2); short protein forms L267fs, L290fs, L326fs.
Identifiers: ClinVar variation 3382271 (VCV003382271.2).